The following is an entry in ClinVar:

ClinVar aggregate classification (germline): Uncertain significance (1 of 4 stars; one submission).

Conditions:
Hereditary cancer-predisposing syndrome. Also called: Hereditary Cancer Syndrome; Hereditary neoplastic syndrome; Neoplastic Syndromes, Hereditary; Tumor predisposition. Identifiers: Orphanet 140162, MedGen C0027672, MeSH D009386, MONDO:0015356.

Submission:

Ambry Genetics
Classification: Uncertain significance for Hereditary cancer-predisposing syndrome. Last evaluated: 2026-08-11. Review status: criteria provided, single submitter. Criteria: Ambry Variant Classification Scheme 2023. Collection method: clinical testing. Allele origin: germline.
Comment: The p.A440S variant (also known as c.1318G>T), located in coding exon 4 of the MSH6 gene, results from a G to T substitution at nucleotide position 1318. The alanine at codon 440 is replaced by serine, an amino acid with similar properties. This amino acid position is highly conserved in available vertebrate species. In addition, this alteration is predicted to be deleterious by in silico analysis. Based on the available evidence, the clinical significance of this variant remains unclear.

NM_000179.3(MSH6):c.1318G>T (p.Ala440Ser)

Gene: MSH6 (mutS homolog 6; plus strand). Cytogenetic location: 2p16.3.
Variant type: single nucleotide variant.
Coding change: c.1318G>T on transcript NM_000179.3 (MANE Select); coding-DNA position 1318, G replaced by T.
Protein change: p.Ala440Ser; replaces alanine 440 with serine.
Molecular consequence: missense variant.
Genome position (GRCh38, 1-based): chr2:47,799,301, G>T. VCF-style: chr2-47799301-G-T. GRCh37 (hg19) VCF-style: chr2-48026440-G-T.
Other names: c.928G>T, p.Ala310Ser (NM_001281492.2); c.412G>T, p.Ala138Ser (NM_001281493.2, NM_001281494.2, NM_001406811.1 and 6 more transcripts); c.1414G>T, p.Ala472Ser (NM_001406795.1, NM_001406802.1); c.1318G>T, p.Ala440Ser (NM_001406796.1, NM_001406803.1, NM_001406808.1 and 4 more transcripts); c.1021G>T, p.Ala341Ser (NM_001406801.1, NM_001406805.1, NM_001406821.1 and 10 more transcripts); c.1240G>T, p.Ala414Ser (NM_001406804.1); c.793G>T, p.Ala265Ser (NM_001406806.1, NM_001406807.1, NM_001406799.1); c.1150G>T, p.Ala384Ser (NM_001406826.1); and 1 more; short protein forms A138S, A440S, A442S, A310S, A384S, A414S, A472S, A265S.
Identifiers: ClinVar variation 1769836 (VCV001769836.3), dbSNP rs1669319377, ClinGen allele CA346744422.